The following is an entry in ClinVar:

ClinVar aggregate classification (germline): Uncertain significance (1 of 4 stars; one submission).

Submission:

GeneDx
Classification: Uncertain significance. Last evaluated: 2022-12-12. Review status: criteria provided, single submitter. Criteria: GeneDx Variant Classification Process June 2021. Collection method: clinical testing. Allele origin: germline. Affected: yes.
Comment: Not observed at significant frequency in large population cohorts (gnomAD); Frameshift variant predicted to result in protein truncation or nonsense mediated decay in a gene or region of a gene for which loss of function is not a well-established mechanism of disease; Has not been previously published as pathogenic or benign to our knowledge

NM_001195.5(BFSP1):c.124del (p.Ala42fs)

Gene: BFSP1 (beaded filament structural protein 1; minus strand). Cytogenetic location: 20p12.1.
Variant type: Deletion.
Coding change: c.124del on transcript NM_001195.5 (MANE Select); coding-DNA position 124, one base deleted (G; older notation c.124delG).
Protein change: p.Ala42fs; shifts the reading frame from alanine 42.
Molecular consequence: frameshift variant. On other transcripts: intron variant (4).
Genome position (GRCh38, 1-based): chr20:17,531,206, C deleted on the plus strand (G on the coding strand, the reverse complement: BFSP1 is on the minus strand); the first of 2 consecutive C bases (chr20:17,531,206-17,531,207); deleting either gives the same sequence. VCF-style (leftmost placement, unchanged base first): chr20-17531205-GC-G. GRCh37 (hg19) VCF-style: chr20-17511850-GC-G.
Other names: c.-40-6298del (NM_001278608.2, NM_001278606.2); c.45-6298del (NM_001278607.2); c.3-6298del (NM_001161705.2); short protein forms A42fs.
Identifiers: ClinVar variation 2504665 (VCV002504665.1), dbSNP rs2515167638, ClinGen allele CA2580615003.
Genomic context (GRCh38, chr20:17,531,205, plus strand): 5'-TCGAGGGCGCGGGCCCGCTGGACGTGGGCGGCCACGCGCTCGCCGAGCCCCTGCAGCGCC[GC>G]CAGGCTCGTTGCCCCAGCCCAGCCCTCGTCGGCCGGGCGCTCGGGCTCGGCGGCGCGCGA-3'